The following is an entry in ClinVar:

ClinVar aggregate classification (germline): Uncertain significance (1 of 4 stars; one submission).

Conditions:
Cardiovascular phenotype. Identifiers: MedGen CN230736.

gnomAD v4.1: 3 of 1,614,248 alleles (0.00019%); highest among the groups gnomAD compares: Non-Finnish European, 0.00025%; no homozygotes.

Submission:

Ambry Genetics
Classification: Uncertain significance for Cardiovascular phenotype. Last evaluated: 2022-10-17. Review status: criteria provided, single submitter. Criteria: Ambry Variant Classification Scheme 2023. Collection method: clinical testing. Allele origin: germline.
Comment: The p.Y47C variant (also known as c.140A>G), located in coding exon 1 of the KCNE2 gene, results from an A to G substitution at nucleotide position 140. The tyrosine at codon 47 is replaced by cysteine, an amino acid with highly dissimilar properties. This amino acid position is conserved. In addition, the in silico prediction for this alteration is inconclusive. Since supporting evidence is limited at this time, the clinical significance of this alteration remains unclear.

NM_172201.2(KCNE2):c.140A>G (p.Tyr47Cys)

Genes: KCNE2 (potassium voltage-gated channel subfamily E regulatory subunit 2; plus strand), LOC105372791 (uncharacterized LOC105372791; minus strand). Cytogenetic location: 21q22.11.
Variant type: single nucleotide variant.
Coding change: c.140A>G on transcript NM_172201.2 (MANE Select); coding-DNA position 140, A replaced by G.
Protein change: p.Tyr47Cys; replaces tyrosine 47 with cysteine.
Molecular consequence: missense variant.
Genome position (GRCh38, 1-based): chr21:34,370,618, A>G. VCF-style: chr21-34370618-A-G. GRCh37 (hg19) VCF-style: chr21-35742917-A-G.
Other names: short protein forms Y47C.
Identifiers: ClinVar variation 1771977 (VCV001771977.2), dbSNP rs757779830, ClinGen allele CA410196405.